The following is an entry in ClinVar:

NM_001999.4(FBN2):c.2565A>C (p.Glu855Asp)

Gene: FBN2 (fibrillin 2; minus strand). Cytogenetic location: 5q23.3.
Variant type: single nucleotide variant.
Coding change: c.2565A>C on transcript NM_001999.4 (MANE Select); coding-DNA position 2565, A replaced by C.
Protein change: p.Glu855Asp; replaces glutamic acid 855 with aspartic acid.
Molecular consequence: missense variant.
Genome position (GRCh38, 1-based): chr5:128,357,385, T>G on the plus strand (A>C on the coding strand, the complement: FBN2 is on the minus strand). VCF-style: chr5-128357385-T-G. GRCh37 (hg19) VCF-style: chr5-127693077-T-G.
Other names: p.(Glu855Asp); short protein forms E855D.
Identifiers: ClinVar variation 946201 (VCV000946201.10), dbSNP rs1751527556, ClinGen allele CA360767525.

ClinVar aggregate classification (germline): Uncertain significance (1 of 4 stars; one submission).

Conditions:
Congenital contractural arachnodactyly (CCA). Also called: BEALS SYNDROME; Arthrogryposis, distal, type 9; Beals-Hecht syndrome. Identifiers: Orphanet 115, MedGen C0220668, MONDO:0007363, OMIM 121050.

Allele frequency attached by ClinVar (database versions not stated): TOPMed below 0.00001; gnomAD 0.00001.
gnomAD v4.1: 1 of 1,613,798 alleles (0.000062%); highest among the groups gnomAD compares: Non-Finnish European, 0.000085%; no homozygotes.

Submission:

Labcorp Genetics (formerly Invitae), Labcorp
Classification: Uncertain significance for Congenital contractural arachnodactyly. Last evaluated: 2019-07-26. Review status: criteria provided, single submitter. Criteria: Invitae Variant Classification Sherloc (09022015). Collection method: clinical testing. Allele origin: germline.
Comment: In summary, the available evidence is currently insufficient to determine the role of this variant in disease. Therefore, it has been classified as a Variant of Uncertain Significance. Algorithms developed to predict the effect of missense changes on protein structure and function are either unavailable or do not agree on the potential impact of this missense change (SIFT: "Deleterious"; PolyPhen-2: "Possibly Damaging"; Align-GVGD: "Class C0"). This variant has not been reported in the literature in individuals with FBN2-related conditions. This variant is not present in population databases (ExAC no frequency). This sequence change replaces glutamic acid with aspartic acid at codon 855 of the FBN2 protein (p.Glu855Asp). The glutamic acid residue is moderately conserved and there is a small physicochemical difference between glutamic acid and aspartic acid.